The following is an entry in ClinVar:

NM_002529.4(NTRK1):c.1025_1041dup (p.Leu348fs)

Gene: NTRK1 (neurotrophic receptor tyrosine kinase 1; plus strand). Cytogenetic location: 1q23.1.
Variant type: Duplication.
Coding change: c.1025_1041dup on transcript NM_002529.4 (MANE Select); coding-DNA positions 1025 to 1041, 17 bases duplicated (GGCACGGGTGTCTGCGC).
Protein change: p.Leu348fs; shifts the reading frame from leucine 348.
Molecular consequence: frameshift variant.
Genome position (GRCh38, 1-based): chr1:156,873,807-156,873,823, GGCACGGGTGTCTGCGC duplicated; duplicating any 17 consecutive bases within chr1:156,873,805-156,873,823 gives the same sequence; the c. name uses the placement nearest the transcript's 3' end. VCF-style (leftmost placement, unchanged base first): chr1-156873804-T-TGCGGCACGGGTGTCTGC. GRCh37 (hg19) VCF-style: chr1-156843596-T-TGCGGCACGGGTGTCTGC.
Other names: c.1025_1041dup, p.Leu348Glyfs (NM_001007204.1); c.935_951dup, p.Leu318fs (NM_001007792.1); c.1025_1041dup, p.Leu348fs (NM_001012331.2); short protein forms L348fs, L318fs.
Identifiers: ClinVar variation 2109824 (VCV002109824.4), dbSNP rs2525615664, ClinGen allele CA2580061208.

ClinVar aggregate classification (germline): Pathogenic (1 of 4 stars; one submission).

Conditions:
Hereditary insensitivity to pain with anhidrosis (CIPA). Also called: NTRK1 Congenital Insensitivity to Pain with Anhidrosis; INSENSITIVITY TO PAIN, CONGENITAL, WITH ANHIDROSIS; NEUROPATHY, CONGENITAL SENSORY, WITH ANHIDROSIS; hereditary sensory and autonomic neuropathy type 4; FAMILIAL DYSAUTONOMIA, TYPE II; HSAN Type IV. Identifiers: Orphanet 642, MedGen C0020074, MONDO:0009746, OMIM 256800.

Submission:

Labcorp Genetics (formerly Invitae), Labcorp
Classification: Pathogenic for Hereditary insensitivity to pain with anhidrosis. Last evaluated: 2022-03-12. Review status: criteria provided, single submitter. Criteria: Invitae Variant Classification Sherloc (09022015). Collection method: clinical testing. Allele origin: germline.
Comment: This variant is not present in population databases (gnomAD no frequency). This sequence change creates a premature translational stop signal (p.Leu348Glyfs*122) in the NTRK1 gene. It is expected to result in an absent or disrupted protein product. Loss-of-function variants in NTRK1 are known to be pathogenic (PMID: 10982191). For these reasons, this variant has been classified as Pathogenic. This variant has not been reported in the literature in individuals affected with NTRK1-related conditions.

Literature cited by the submitters: PubMed 10982191.